The following is an entry in ClinVar:

ClinVar aggregate classification (germline): Conflicting classifications of pathogenicity. Review status: criteria provided, conflicting classifications (1 of 4 stars). 5 submissions from 5 submitters: Uncertain significance (3); Benign (1); Likely benign (1). Last evaluated 2024-06-13.

Conditions:
Hereditary cancer-predisposing syndrome. Also called: Neoplastic Syndromes, Hereditary; Tumor predisposition; Hereditary Cancer Syndrome; Hereditary neoplastic syndrome. Identifiers: Orphanet 140162, MedGen C0027672, MeSH D009386, MONDO:0015356.
Ovarian cancer. Also called: OVARIAN CANCER, SOMATIC. Identifiers: Orphanet 213500, MedGen C1140680, MONDO:0008170, OMIM 167000.
Hereditary breast ovarian cancer syndrome. Also called: Hereditary breast and ovarian cancer syndrome; BRCA1- and BRCA2-Associated Hereditary Breast and Ovarian Cancer; Hereditary breast and ovarian cancer; Hereditary breast and ovarian cancer syndrome (HBOC); Breast and ovarian cancer; Hereditary breast and/or ovarian cancer syndrome. Identifiers: Orphanet 145, MedGen C0677776, MeSH D061325, MONDO:0003582. Disease mechanism: loss of function.

Allele frequency attached by ClinVar (database versions not stated): TOPMed 0.00001.

Submissions (5):

Ambry Genetics
Classification: Likely benign for Hereditary cancer-predisposing syndrome. Last evaluated: 2024-06-13. Review status: criteria provided, single submitter. Criteria: Ambry Variant Classification Scheme 2023. Collection method: clinical testing. Allele origin: germline.

Labcorp Genetics (formerly Invitae), Labcorp
Classification: Uncertain significance for Hereditary breast ovarian cancer syndrome. Last evaluated: 2023-04-08. Review status: criteria provided, single submitter. Criteria: Invitae Variant Classification Sherloc (09022015). Collection method: clinical testing. Allele origin: germline.
Comment: In summary, the available evidence is currently insufficient to determine the role of this variant in disease. Therefore, it has been classified as a Variant of Uncertain Significance. Advanced modeling of protein sequence and biophysical properties (such as structural, functional, and spatial information, amino acid conservation, physicochemical variation, residue mobility, and thermodynamic stability) performed at Invitae indicates that this missense variant is not expected to disrupt BRCA2 protein function. ClinVar contains an entry for this variant (Variation ID: 926098). This variant has not been reported in the literature in individuals affected with BRCA2-related conditions. This variant is not present in population databases (gnomAD no frequency). This sequence change replaces cysteine, which is neutral and slightly polar, with tyrosine, which is neutral and polar, at codon 148 of the BRCA2 protein (p.Cys148Tyr).

Women's Health and Genetics/Laboratory Corporation of America, LabCorp
Classification: Uncertain significance. Last evaluated: 2022-07-18. Review status: criteria provided, single submitter. Criteria: LabCorp Variant Classification Summary - May 2015. Collection method: clinical testing. Allele origin: germline.

Laboratory of Molecular Epidemiology of Birth Defects, West China Second University Hospital, Sichuan University
Classification: Benign for Ovarian cancer. Last evaluated: 2022-01-01. Review status: criteria provided, single submitter. Criteria: ACMG Guidelines, 2015. Collection method: clinical testing. Allele origin: germline. Affected: yes.

Color Diagnostics, LLC DBA Color Health
Classification: Uncertain significance for Hereditary cancer-predisposing syndrome. Last evaluated: 2019-06-05. Review status: criteria provided, single submitter. Criteria: ACMG Guidelines, 2015. Collection method: clinical testing. Allele origin: germline.

NM_000059.4(BRCA2):c.443G>A (p.Cys148Tyr)

Gene: BRCA2 (BRCA2 DNA repair associated; plus strand). Cytogenetic location: 13q13.1.
Variant type: single nucleotide variant.
Coding change: c.443G>A on transcript NM_000059.4 (MANE Select); coding-DNA position 443, G replaced by A.
Protein change: p.Cys148Tyr; replaces cysteine 148 with tyrosine.
Molecular consequence: missense variant.
Genome position (GRCh38, 1-based): chr13:32,326,118, G>A. VCF-style: chr13-32326118-G-A. GRCh37 (hg19) VCF-style: chr13-32900255-G-A.
Other names: short protein forms C148Y.
Identifiers: ClinVar variation 926098 (VCV000926098.13), dbSNP rs1204909245, ClinGen allele CA387757064.